The following is an entry in ClinVar:

ClinVar aggregate classification (germline): Uncertain significance. Review status: criteria provided, multiple submitters, no conflicts (2 of 4 stars). 2 submissions from 2 submitters: Uncertain significance (2). Last evaluated 2024-11-30.

Conditions:
Inborn genetic diseases. Identifiers: MedGen C0950123, MeSH D030342.

Allele frequency attached by ClinVar (database versions not stated): TOPMed below 0.00001.
gnomAD v4.1: 1 of 1,614,190 alleles (0.000062%); highest among the groups gnomAD compares: Admixed American, 0.0017%; no homozygotes.

Submissions (2):

Ambry Genetics
Classification: Uncertain significance for Inborn genetic diseases. Last evaluated: 2024-11-30. Review status: criteria provided, single submitter. Criteria: Ambry Variant Classification Scheme 2023. Collection method: clinical testing. Allele origin: germline.
Comment: The p.P132T variant (also known as c.394C>A), located in coding exon 4 of the ETV6 gene, results from a C to A substitution at nucleotide position 394. The proline at codon 132 is replaced by threonine, an amino acid with highly similar properties. This amino acid position is conserved. In addition, the in silico prediction for this alteration is inconclusive. Based on the available evidence, the clinical significance of this variant remains unclear.

GeneDx
Classification: Uncertain significance. Last evaluated: 2022-12-23. Review status: criteria provided, single submitter. Criteria: GeneDx Variant Classification Process June 2021. Collection method: clinical testing. Allele origin: germline. Affected: yes.
Comment: Not observed at significant frequency in large population cohorts (gnomAD); In silico analysis supports that this missense variant has a deleterious effect on protein structure/function; Has not been previously published as pathogenic or benign to our knowledge

NM_001987.5(ETV6):c.394C>A (p.Pro132Thr)

Gene: ETV6 (ETS variant transcription factor 6; plus strand). Cytogenetic location: 12p13.2.
Variant type: single nucleotide variant.
Coding change: c.394C>A on transcript NM_001987.5 (MANE Select); coding-DNA position 394, C replaced by A.
Protein change: p.Pro132Thr; replaces proline 132 with threonine.
Molecular consequence: missense variant.
Genome position (GRCh38, 1-based): chr12:11,853,492, C>A. VCF-style: chr12-11853492-C-A. GRCh37 (hg19) VCF-style: chr12-12006426-C-A.
Other names: c.391C>A, p.Pro131Thr (NM_001413913.1); c.367C>A, p.Pro123Thr (NM_001413914.1); c.130C>A, p.Pro44Thr (NM_001413915.1); c.394C>A, p.Pro132Thr (NM_001413916.1, NM_001413917.1); short protein forms P123T, P131T, P132T, P44T.
Identifiers: ClinVar variation 2507131 (VCV002507131.2), dbSNP rs769171614, ClinGen allele CA384043105.
Genomic context (GRCh38, chr12:11,853,492, plus strand): 5'-GTGCTCTATGAACTCCTTCAGCATATTCTGAAGCAGAGGAAACCTCGGATTCTTTTTTCA[C>A]CATTCTTCCACCCTGGAAACTCTATACACACACAGCCGGAGGTCATACTGCATCAGAACC-3'
Protein context (NP_001978.1, residues 122-142): KQRKPRILFS[Pro132Thr]FFHPGNSIHT